The following is an entry in ClinVar:

NM_000340.2(SLC2A2):c.496+8AC[24]

Gene: SLC2A2 (solute carrier family 2 member 2; minus strand). Cytogenetic location: 3q26.2.
Variant type: Microsatellite.
Coding change: c.496+8AC[24] on transcript NM_000340.2 (MANE Select); 24 copies in a row of the 2-base unit AC starting at c.496+8; the reference has 19 copies in a row; five copies, 10 bases duplicated.
Molecular consequence: intron variant.
Genome position (GRCh38, 1-based): chr3:171,009,913-171,009,922, GTGTGTGTGT duplicated on the plus strand (ACACACACAC on the coding strand, the reverse complement: SLC2A2 is on the minus strand); duplicating any 10 consecutive bases within chr3:171,009,913-171,009,951 gives the same sequence; the position shown is the placement nearest the transcript's 3' end. VCF-style (leftmost placement, unchanged base first): chr3-171009912-G-GGTGTGTGTGT. GRCh37 (hg19) VCF-style: chr3-170727701-G-GGTGTGTGTGT.
Other names: c.139+8AC[24] (NM_001278658.2); c.-23-2687AC[24] (NM_001278659.2).
Identifiers: ClinVar variation 1691176 (VCV001691176.2), dbSNP rs71176588, ClinGen allele CA547972260.

ClinVar aggregate classification (germline): Likely benign (1 of 4 stars; one submission).

Submission:

GeneDx
Classification: Likely benign. Last evaluated: 2021-12-01. Review status: criteria provided, single submitter. Criteria: GeneDx Variant Classification Process June 2021. Collection method: clinical testing. Allele origin: germline. Affected: yes.
Comment: See Variant Classification Assertion Criteria.